The following is an entry in ClinVar:

ClinVar aggregate classification (germline): Uncertain significance (1 of 4 stars; one submission).

Conditions:
Hereditary cancer-predisposing syndrome. Also called: Neoplastic Syndromes, Hereditary; Tumor predisposition; Hereditary neoplastic syndrome; Hereditary Cancer Syndrome. Identifiers: Orphanet 140162, MedGen C0027672, MeSH D009386, MONDO:0015356.

Submission:

Ambry Genetics
Classification: Uncertain significance for Hereditary cancer-predisposing syndrome. Last evaluated: 2024-02-28. Review status: criteria provided, single submitter. Criteria: Ambry Variant Classification Scheme 2023. Collection method: clinical testing. Allele origin: germline.
Comment: The p.E1365K variant (also known as c.4093G>A), located in coding exon 20 of the MET gene, results from a G to A substitution at nucleotide position 4093. The glutamic acid at codon 1365 is replaced by lysine, an amino acid with similar properties. This amino acid position is conserved. In addition, this alteration is predicted to be deleterious by in silico analysis. Based on the available evidence, the clinical significance of this alteration remains unclear.

NM_000245.4(MET):c.4039G>A (p.Glu1347Lys)

Gene: MET (MET proto-oncogene, receptor tyrosine kinase; plus strand). Cytogenetic location: 7q31.2.
Variant type: single nucleotide variant.
Coding change: c.4039G>A on transcript NM_000245.4 (MANE Select); coding-DNA position 4039, G replaced by A.
Protein change: p.Glu1347Lys; replaces glutamic acid 1347 with lysine.
Molecular consequence: missense variant.
Genome position (GRCh38, 1-based): chr7:116,795,990, G>A. VCF-style: chr7-116795990-G-A. GRCh37 (hg19) VCF-style: chr7-116436044-G-A.
Other names: c.4093G>A, p.Glu1365Lys (NM_001127500.3); c.2749G>A, p.Glu917Lys (NM_001324402.2); short protein forms E1347K, E1365K, E917K.
Identifiers: ClinVar variation 3232993 (VCV003232993.1), dbSNP rs2117111941, ClinGen allele CA369118263.